The following is an entry in ClinVar:

NM_006231.4(POLE):c.510C>G (p.Ile170Met)

Gene: POLE (DNA polymerase epsilon, catalytic subunit; minus strand). Cytogenetic location: 12q24.33.
Variant type: single nucleotide variant.
Coding change: c.510C>G on transcript NM_006231.4 (MANE Select); coding-DNA position 510, C replaced by G.
Protein change: p.Ile170Met; replaces isoleucine 170 with methionine.
Molecular consequence: missense variant.
Genome position (GRCh38, 1-based): chr12:132,679,565, G>C on the plus strand (C>G on the coding strand, the complement: POLE is on the minus strand). VCF-style: chr12-132679565-G-C. GRCh37 (hg19) VCF-style: chr12-133256151-G-C.
Other names: short protein forms I170M.
Identifiers: ClinVar variation 1042951 (VCV001042951.12), dbSNP rs374074035, ClinGen allele CA387367085.

ClinVar aggregate classification (germline): Uncertain significance. Review status: criteria provided, multiple submitters, no conflicts (2 of 4 stars). 3 submissions from 3 submitters: Uncertain significance (3). Last evaluated 2026-06-10.

Conditions:
Hereditary cancer-predisposing syndrome. Also called: Hereditary neoplastic syndrome; Neoplastic Syndromes, Hereditary; Tumor predisposition; Hereditary Cancer Syndrome. Identifiers: Orphanet 140162, MedGen C0027672, MeSH D009386, MONDO:0015356.

gnomAD v4.1: 1 of 1,614,118 alleles (0.000062%); highest among the groups gnomAD compares: Middle Eastern, 0.016%; no homozygotes.

Submissions (3):

Ambry Genetics
Classification: Uncertain significance for Hereditary cancer-predisposing syndrome. Last evaluated: 2026-06-10. Review status: criteria provided, single submitter. Criteria: Ambry Variant Classification Scheme 2023. Collection method: clinical testing. Allele origin: germline.

Center for Genomic Medicine, Rigshospitalet, Copenhagen University Hospital
Classification: Uncertain significance. Last evaluated: 2025-03-04. Review status: criteria provided, single submitter. Criteria: ACMG Guidelines, 2015. Collection method: clinical testing. Allele origin: germline.

Labcorp Genetics (formerly Invitae), Labcorp
Classification: Uncertain significance. Last evaluated: 2024-11-26. Review status: criteria provided, single submitter. Criteria: Invitae Variant Classification Sherloc (09022015). Collection method: clinical testing. Allele origin: germline.
Comment: This sequence change replaces isoleucine, which is neutral and non-polar, with methionine, which is neutral and non-polar, at codon 170 of the POLE protein (p.Ile170Met). This variant is present in population databases (no rsID available, gnomAD no frequency). This variant has not been reported in the literature in individuals affected with POLE-related conditions. ClinVar contains an entry for this variant (Variation ID: 1042951). Invitae Evidence Modeling of protein sequence and biophysical properties (such as structural, functional, and spatial information, amino acid conservation, physicochemical variation, residue mobility, and thermodynamic stability) indicates that this missense variant is not expected to disrupt POLE protein function with a negative predictive value of 80%. In summary, the available evidence is currently insufficient to determine the role of this variant in disease. Therefore, it has been classified as a Variant of Uncertain Significance.